The following is an entry in ClinVar:

NM_001379291.1(BRD4):c.3817C>T (p.Arg1273Trp)

Gene: BRD4 (bromodomain containing 4; minus strand). Cytogenetic location: 19p13.12.
Variant type: single nucleotide variant.
Coding change: c.3817C>T on transcript NM_001379291.1 (MANE Select); coding-DNA position 3817, C replaced by T.
Protein change: p.Arg1273Trp; replaces arginine 1273 with tryptophan.
Molecular consequence: missense variant.
Genome position (GRCh38, 1-based): chr19:15,238,946, G>A on the plus strand (C>T on the coding strand, the complement: BRD4 is on the minus strand). VCF-style: chr19-15238946-G-A. GRCh37 (hg19) VCF-style: chr19-15349757-G-A.
Other names: c.3817C>T, p.Arg1273Trp (NM_058243.3); short protein forms R1273W.
Identifiers: ClinVar variation 2833771 (VCV002833771.3), dbSNP rs2047215777, ClinGen allele CA404497006.

ClinVar aggregate classification (germline): Uncertain significance (1 of 4 stars; one submission).

Allele frequency attached by ClinVar (database versions not stated): gnomAD exomes below 0.00001.
gnomAD v4.1: 3 of 1,597,018 alleles (0.00019%); highest among the groups gnomAD compares: Non-Finnish European, 0.00026%; no homozygotes.

Submission:

Labcorp Genetics (formerly Invitae), Labcorp
Classification: Uncertain significance. Last evaluated: 2024-10-29. Review status: criteria provided, single submitter. Criteria: Invitae Variant Classification Sherloc (09022015). Collection method: clinical testing. Allele origin: germline.
Comment: This sequence change replaces arginine, which is basic and polar, with tryptophan, which is neutral and slightly polar, at codon 1273 of the BRD4 protein (p.Arg1273Trp). This variant is not present in population databases (gnomAD no frequency). This variant has not been reported in the literature in individuals affected with BRD4-related conditions. An algorithm developed to predict the effect of missense changes on protein structure and function (PolyPhen-2) suggests that this variant is likely to be disruptive. In summary, the available evidence is currently insufficient to determine the role of this variant in disease. Therefore, it has been classified as a Variant of Uncertain Significance.